The following is an entry in ClinVar:

NM_000352.6(ABCC8):c.2462A>G (p.Gln821Arg)

Genes: ABCC8 (ATP binding cassette subfamily C member 8; minus strand), LOC110121471 (VISTA enhancer hs1977; plus strand). Cytogenetic location: 11p15.1.
Variant type: single nucleotide variant.
Coding change: c.2462A>G on transcript NM_000352.6 (MANE Select); coding-DNA position 2462, A replaced by G.
Protein change: p.Gln821Arg; replaces glutamine 821 with arginine.
Molecular consequence: missense variant. On other transcripts: non-coding transcript variant (1).
Genome position (GRCh38, 1-based): chr11:17,413,407, T>C on the plus strand (A>G on the coding strand, the complement: ABCC8 is on the minus strand). VCF-style: chr11-17413407-T-C. GRCh37 (hg19) VCF-style: chr11-17434954-T-C.
Other names: c.2465A>G, p.Gln822Arg (NM_001287174.3); c.2528A>G, p.Gln843Arg (NM_001351295.2); c.2462A>G, p.Gln821Arg (NM_001351296.2); c.2459A>G, p.Gln820Arg (NM_001351297.2); short protein forms Q820R, Q821R, Q822R, Q843R.
Identifiers: ClinVar variation 3629806 (VCV003629806.1).
Genomic context (GRCh38, chr11:17,413,407, plus strand): 5'-GTTGGGGGTCCTGGCTTTGAAAAAACCCCTCAGAGGCTGCTACTAACCCGTTCCCCAATC[T>C]GGGTCTGGTCTCCATGGGGCAGGATGTCGATGTCTGGCTGCAGAGAGCAGGCTTCAATGA-3'
Protein context (NP_000343.2, residues 811-831): IDILPHGDQT[Gln821Arg]IGERGINLSG

ClinVar aggregate classification (germline): Uncertain significance (1 of 4 stars; one submission).

gnomAD v4.1: 4 of 1,614,184 alleles (0.00025%); highest among the groups gnomAD compares: Admixed American, 0.0067%; no homozygotes.

Submission:

Women's Health and Genetics/Laboratory Corporation of America, LabCorp
Classification: Uncertain significance. Last evaluated: 2024-11-06. Review status: criteria provided, single submitter. Criteria: LabCorp Variant Classification Summary - May 2015. Collection method: clinical testing. Allele origin: germline.
Comment: Variant summary: ABCC8 c.2462A>G (p.Gln821Arg) results in a conservative amino acid change located in the ATP-binding cassette, ABC transporter-type domain profile (IPR003439) of the encoded protein sequence. Three of five in-silico tools predict a damaging effect of the variant on protein function. The variant allele was found at a frequency of 1.6e-05 in 251492 control chromosomes. The available data on variant occurrences in the general population are insufficient to allow any conclusion about variant significance. To our knowledge, no occurrence of c.2462A>G in individuals affected with Familial Hyperinsulinism and no experimental evidence demonstrating its impact on protein function have been reported. No submitters have cited clinical-significance assessments for this variant to ClinVar. Based on the evidence outlined above, the variant was classified as uncertain significance.